The following is an entry in ClinVar:

ClinVar aggregate classification (germline): Uncertain significance (1 of 4 stars; one submission).

Conditions:
Familial sleep-related hypermotor epilepsy. Also called: Autosomal Dominant Sleep-Related Hypermotor (Hyperkinetic) Epilepsy. Identifiers: Orphanet 98784, MedGen C3696898, MONDO:0000030.

Submission:

Labcorp Genetics (formerly Invitae), Labcorp
Classification: Uncertain significance. Last evaluated: 2023-08-31. Review status: criteria provided, single submitter. Criteria: Invitae Variant Classification Sherloc (09022015). Collection method: clinical testing. Allele origin: germline.
Comment: In summary, the available evidence is currently insufficient to determine the role of this variant in disease. Therefore, it has been classified as a Variant of Uncertain Significance. Advanced modeling of protein sequence and biophysical properties (such as structural, functional, and spatial information, amino acid conservation, physicochemical variation, residue mobility, and thermodynamic stability) performed at Invitae indicates that this missense variant is expected to disrupt CHRNB2 protein function. ClinVar contains an entry for this variant (Variation ID: 1507771). This variant has not been reported in the literature in individuals affected with CHRNB2-related conditions. This variant is not present in population databases (gnomAD no frequency). This sequence change replaces phenylalanine, which is neutral and non-polar, with tyrosine, which is neutral and polar, at codon 310 of the CHRNB2 protein (p.Phe310Tyr).

NM_000748.3(CHRNB2):c.929T>A (p.Phe310Tyr)

Gene: CHRNB2 (cholinergic receptor nicotinic beta 2 subunit; plus strand). Cytogenetic location: 1q21.3.
Variant type: single nucleotide variant.
Coding change: c.929T>A on transcript NM_000748.3 (MANE Select); coding-DNA position 929, T replaced by A.
Protein change: p.Phe310Tyr; replaces phenylalanine 310 with tyrosine.
Molecular consequence: missense variant.
Genome position (GRCh38, 1-based): chr1:154,571,752, T>A. VCF-style: chr1-154571752-T-A. GRCh37 (hg19) VCF-style: chr1-154544228-T-A.
Other names: short protein forms F310Y.
Identifiers: ClinVar variation 1507771 (VCV001507771.6), dbSNP rs2101521485, ClinGen allele CA342631127.